The following is an entry in ClinVar:

NM_000405.5(GM2A):c.427-13G>A

Gene: GM2A (ganglioside GM2 activator; plus strand). Cytogenetic location: 5q33.1.
Variant type: single nucleotide variant.
Coding change: c.427-13G>A on transcript NM_000405.5 (MANE Select); 13 bases into the intron before coding-DNA position 427, G replaced by A.
Molecular consequence: intron variant.
Genome position (GRCh38, 1-based): chr5:151,267,283, G>A. VCF-style: chr5-151267283-G-A. GRCh37 (hg19) VCF-style: chr5-150646844-G-A.
Other names: c.413-209G>A (NM_001167607.3).
Identifiers: ClinVar variation 1029826 (VCV001029826.1), dbSNP rs1753905990, ClinGen allele CA1591315156.
Genomic context (GRCh38, chr5:151,267,283, plus strand): 5'-CTAGCAGTGGCTCTAGGAGAAAGACCCCATCAGTAGGCTCCCACTGACTGGCGGTCCACT[G>A]GCTTTCCCGCAGGGAACCTACTCACTGCCCAAGAGCGAATTCGTTGTGCCTGACCTGGAG-3'

ClinVar aggregate classification (germline): Uncertain significance (1 of 4 stars; one submission).

Conditions:
Tay-Sachs disease, variant AB. Also called: Gm2-gangliosidosis, ab variant; GM2 Activator Deficiency. Identifiers: Orphanet 309246, MedGen C0268275, MONDO:0010099, OMIM 272750.

Submission:

Baylor Genetics
Classification: Uncertain significance for Tay-Sachs disease, variant AB. Last evaluated: 2020-02-10. Review status: criteria provided, single submitter. Criteria: ACMG Guidelines, 2015. Collection method: clinical testing. Allele origin: unknown. Affected: yes.
Comment: This variant was determined to be of uncertain significance according to ACMG Guidelines, 2015 [PMID:25741868].